The following is an entry in ClinVar:

ClinVar aggregate classification (germline): Uncertain significance (1 of 4 stars; one submission).

Conditions:
Shprintzen-Goldberg syndrome (SGS). Also called: SHPRINTZEN-GOLDBERG CRANIOSYNOSTOSIS SYNDROME; CRANIOSYNOSTOSIS WITH ARACHNODACTYLY AND ABDOMINAL HERNIAS; Marfanoid disorder with craniosynostosis type 1; Marfanoid craniosynostosis syndrome; Shprintzen-Goldberg marfanoid syndrome. Identifiers: Orphanet 2462, MedGen C1321551, MONDO:0008426, OMIM 182212.

Submission:

Labcorp Genetics (formerly Invitae), Labcorp
Classification: Uncertain significance for Shprintzen-Goldberg syndrome. Last evaluated: 2025-01-20. Review status: criteria provided, single submitter. Criteria: Invitae Variant Classification Sherloc (09022015). Collection method: clinical testing. Allele origin: germline.
Comment: This sequence change falls in intron 6 of the SKI gene. It does not directly change the encoded amino acid sequence of the SKI protein. It affects a nucleotide within the consensus splice site. This variant is not present in population databases (gnomAD no frequency). This variant has not been reported in the literature in individuals affected with SKI-related conditions. ClinVar contains an entry for this variant (Variation ID: 2985150). Variants that disrupt the consensus splice site are a relatively common cause of aberrant splicing (PMID: 17576681, 9536098). Algorithms developed to predict the effect of sequence changes on RNA splicing suggest that this variant may disrupt the consensus splice site. In summary, the available evidence is currently insufficient to determine the role of this variant in disease. Therefore, it has been classified as a Variant of Uncertain Significance.

Literature cited by the submitters: PubMed 17576681; PubMed 9536098.

NM_003036.4(SKI):c.1998+1G>T

Gene: SKI (SKI proto-oncogene; plus strand). Cytogenetic location: 1p36.32.
Variant type: single nucleotide variant.
Coding change: c.1998+1G>T on transcript NM_003036.4 (MANE Select); the canonical splice donor site of the intron after coding-DNA position 1998, G replaced by T.
Molecular consequence: splice donor variant.
Genome position (GRCh38, 1-based): chr1:2,306,251, G>T. VCF-style: chr1-2306251-G-T. GRCh37 (hg19) VCF-style: chr1-2237690-G-T.
Identifiers: ClinVar variation 2985150 (VCV002985150.3), dbSNP rs564037851, ClinGen allele CA536846.